The following is an entry in ClinVar:

ClinVar aggregate classification (germline): Uncertain significance (1 of 4 stars; one submission).

Submission:

Labcorp Genetics (formerly Invitae), Labcorp
Classification: Uncertain significance. Last evaluated: 2022-11-03. Review status: criteria provided, single submitter. Criteria: Invitae Variant Classification Sherloc (09022015). Collection method: clinical testing. Allele origin: germline.
Comment: In summary, the available evidence is currently insufficient to determine the role of this variant in disease. Therefore, it has been classified as a Variant of Uncertain Significance. Algorithms developed to predict the effect of sequence changes on RNA splicing suggest that this variant may disrupt the consensus splice site. ClinVar contains an entry for this variant (Variation ID: 1483396). This variant has not been reported in the literature in individuals affected with PROM1-related conditions. This variant is not present in population databases (gnomAD no frequency). This sequence change falls in intron 6 of the PROM1 gene. It does not directly change the encoded amino acid sequence of the PROM1 protein.

NM_006017.3(PROM1):c.695-11T>G

Gene: PROM1 (prominin 1; minus strand). Cytogenetic location: 4p15.32.
Variant type: single nucleotide variant.
Coding change: c.695-11T>G on transcript NM_006017.3 (MANE Select); 11 bases into the intron before coding-DNA position 695, T replaced by G.
Molecular consequence: intron variant.
Genome position (GRCh38, 1-based): chr4:16,023,426, A>C on the plus strand (T>G on the coding strand, the complement: PROM1 is on the minus strand). VCF-style: chr4-16023426-A-C. GRCh37 (hg19) VCF-style: chr4-16025049-A-C.
Other names: c.668-11T>G (NM_001145848.2, NM_001145852.2, NM_001145847.2 and 4 more transcripts); c.695-11T>G (NM_001145850.2, NM_001145849.2).
Identifiers: ClinVar variation 1483396 (VCV001483396.6), dbSNP rs2149332377, ClinGen allele CA2573137633.